The following is an entry in ClinVar:

ClinVar aggregate classification (germline): Uncertain significance (1 of 4 stars; one submission).

Conditions:
Hereditary cancer-predisposing syndrome. Also called: Tumor predisposition; Hereditary Cancer Syndrome; Hereditary neoplastic syndrome; Neoplastic Syndromes, Hereditary. Identifiers: Orphanet 140162, MedGen C0027672, MeSH D009386, MONDO:0015356.

Submission:

Ambry Genetics
Classification: Uncertain significance for Hereditary cancer-predisposing syndrome. Last evaluated: 2023-08-11. Review status: criteria provided, single submitter. Criteria: Ambry Variant Classification Scheme 2023. Collection method: clinical testing. Allele origin: germline.
Comment: The p.G503S variant (also known as c.1507G>A), located in coding exon 9 of the MEN1 gene, results from a G to A substitution at nucleotide position 1507. The glycine at codon 503 is replaced by serine, an amino acid with similar properties. This amino acid position is conserved. In addition, this alteration is predicted to be tolerated by in silico analysis. Since supporting evidence is limited at this time, the clinical significance of this alteration remains unclear.

NM_001370259.2(MEN1):c.1507G>A (p.Gly503Ser)

Gene: MEN1 (menin 1; minus strand). Cytogenetic location: 11q13.1.
Variant type: single nucleotide variant.
Coding change: c.1507G>A on transcript NM_001370259.2 (MANE Select); coding-DNA position 1507, G replaced by A.
Protein change: p.Gly503Ser; replaces glycine 503 with serine.
Molecular consequence: missense variant. On other transcripts: non-coding transcript variant (4).
Genome position (GRCh38, 1-based): chr11:64,804,660, C>T on the plus strand (G>A on the coding strand, the complement: MEN1 is on the minus strand). VCF-style: chr11-64804660-C-T. GRCh37 (hg19) VCF-style: chr11-64572132-C-T.
Other names: c.1522G>A, p.Gly508Ser (NM_000244.4, NM_001407145.1, NM_130800.3 and 4 more transcripts); c.1633G>A, p.Gly545Ser (NM_001370251.2, NM_001407142.1, NM_001407143.1 and 1 more transcripts); c.1507G>A, p.Gly503Ser (NM_001370260.2, NM_001370261.2, NM_001407146.1 and 2 more transcripts); c.1402G>A, p.Gly468Ser (NM_001370262.2, NM_001370263.2, NM_001407148.1 and 1 more transcripts); c.1648G>A, p.Gly550Ser (NM_001407150.1); c.1528G>A, p.Gly510Ser (NM_001407151.1); c.1342G>A, p.Gly448Ser (NM_001407152.1); short protein forms G503S, G545S, G448S, G508S, G550S, G468S, G510S.
Identifiers: ClinVar variation 2626596 (VCV002626596.2), dbSNP rs2136087052, ClinGen allele CA381178776.